The following is an entry in ClinVar:

ClinVar aggregate classification (germline): Likely benign. Review status: criteria provided, single submitter (1 of 4 stars). 2 submissions from 2 submitters: Likely benign (1). 1 of the submissions does not count toward it. Last evaluated 2018-09-18.

Conditions:
CEP290-related disorder. Also called: CEP290-related disorders; CEP290-related condition. Identifiers: MedGen CN239314.

gnomAD v4.1: 1 of 1,600,188 alleles (0.000062%); highest among the groups gnomAD compares: Non-Finnish European, 0.000085%; no homozygotes.

Submissions (2):

Blueprint Genetics
Classification: Likely benign. Last evaluated: 2018-09-18. Review status: criteria provided, single submitter. Criteria: ACMG Guidelines, 2015. Collection method: clinical testing. Allele origin: germline.

PreventionGenetics, part of Exact Sciences
Classification: Likely benign for CEP290-related condition. Last evaluated: 2024-06-08. Review status: no assertion criteria provided. Collection method: clinical testing. Allele origin: germline. Not counted in ClinVar's aggregate classification.
Comment: This variant is classified as likely benign based on ACMG/AMP sequence variant interpretation guidelines (Richards et al. 2015 PMID: 25741868, with internal and published modifications).

NM_025114.4(CEP290):c.5709+4T>G

Gene: CEP290 (centrosomal protein 290; minus strand). Cytogenetic location: 12q21.32.
Variant type: single nucleotide variant.
Coding change: c.5709+4T>G on transcript NM_025114.4 (MANE Select); 4 bases into the intron after coding-DNA position 5709, T replaced by G.
Molecular consequence: intron variant.
Genome position (GRCh38, 1-based): chr12:88,077,218, A>C on the plus strand (T>G on the coding strand, the complement: CEP290 is on the minus strand). VCF-style: chr12-88077218-A-C. GRCh37 (hg19) VCF-style: chr12-88470995-A-C.
Identifiers: ClinVar variation 3348015 (VCV003348015.2).
Genomic context (GRCh38, chr12:88,077,218, plus strand): 5'-GCTATGTATTTAACTTACTCTGTCACTACCTTAAGCATATAAGTCAGTATGTTTCTTCAC[A>C]TACCTTTTCTTTCATAGGTTTTAGGTCTACTTCCTCCACCTTTCCCTCTAATTGGTTCTC-3'